The following is an entry in ClinVar:

NM_005959.5(MTNR1B):c.336C>T (p.His112=)

Gene: MTNR1B (melatonin receptor 1B; plus strand). Cytogenetic location: 11q14.3.
Variant type: single nucleotide variant.
Coding change: c.336C>T on transcript NM_005959.5 (MANE Select); coding-DNA position 336, C replaced by T.
Protein change: p.His112=; no amino-acid change (histidine 112 retained).
Molecular consequence: synonymous variant.
Genome position (GRCh38, 1-based): chr11:92,981,559, C>T. VCF-style: chr11-92981559-C-T. GRCh37 (hg19) VCF-style: chr11-92714725-C-T.
Identifiers: ClinVar variation 3056447 (VCV003056447.2), dbSNP rs149703897, ClinGen allele CA6228983.

ClinVar aggregate classification (germline): Likely benign (0 of 4 stars; one submission).

Conditions:
MTNR1B-related disorder. Also called: MTNR1B-related condition.

Allele frequency attached by ClinVar (database versions not stated): ExAC 0.00030; TOPMed 0.00088; gnomAD 0.00090; 1000 Genomes Project 30x 0.00109; 1000 Genomes Project 0.00120; ESP Exome Variant Server 0.00162.
gnomAD v4.1: 235 of 1,614,198 alleles (0.015%); highest among the groups gnomAD compares: African/African-American, 0.28%; 1 homozygote.

Submission:

PreventionGenetics, part of Exact Sciences
Classification: Likely benign for MTNR1B-related condition. Last evaluated: 2019-05-01. Review status: no assertion criteria provided. Collection method: clinical testing. Allele origin: germline.
Comment: This variant is classified as likely benign based on ACMG/AMP sequence variant interpretation guidelines (Richards et al. 2015 PMID: 25741868, with internal and published modifications).